The following is an entry in ClinVar:

NM_000043.6(FAS):c.250C>T (p.Pro84Ser)

Gene: FAS (Fas cell surface death receptor; plus strand). Cytogenetic location: 10q23.31.
Variant type: single nucleotide variant.
Coding change: c.250C>T on transcript NM_000043.6 (MANE Select); coding-DNA position 250, C replaced by T.
Protein change: p.Pro84Ser; replaces proline 84 with serine.
Molecular consequence: missense variant. On other transcripts: non-coding transcript variant (4).
Genome position (GRCh38, 1-based): chr10:89,007,753, C>T. VCF-style: chr10-89007753-C-T. GRCh37 (hg19) VCF-style: chr10-90767510-C-T.
Other names: c.250C>T, p.Pro84Ser (NM_001320619.2, NM_152871.4, NM_152872.4); c.295C>T, p.Pro99Ser (NM_001410956.1); short protein forms P99S, P84S.
Identifiers: ClinVar variation 4706471 (VCV004706471.1).
Genomic context (GRCh38, chr10:89,007,753, plus strand): 5'-TGGGCAGGTGAAAGGAAAGCTAGGGACTGCACAGTCAATGGGGATGAACCAGACTGCGTG[C>T]CCTGCCAAGAAGGGAAGGAGTACACAGACAAAGCCCATTTTTCTTCCAAATGCAGAAGAT-3'
Protein context (NP_000034.1, residues 74-94): TVNGDEPDCV[Pro84Ser]CQEGKEYTDK

ClinVar aggregate classification (germline): Uncertain significance (1 of 4 stars; one submission).

Conditions:
Autoimmune lymphoproliferative syndrome type 1. Also called: AUTOIMMUNE LYMPHOPROLIFERATIVE SYNDROME, TYPE I, AUTOSOMAL DOMINANT. Identifiers: Orphanet 3261, MedGen C2717884, MONDO:0011158, OMIM 601859.

gnomAD v4.1: 3 of 1,614,016 alleles (0.00019%); highest among the groups gnomAD compares: East Asian, 0.0045%; no homozygotes.

Submission:

Labcorp Genetics (formerly Invitae), Labcorp
Classification: Uncertain significance for Autoimmune lymphoproliferative syndrome. Last evaluated: 2026-01-12. Review status: criteria provided, single submitter. Criteria: Invitae Variant Classification Sherloc (09022015). Collection method: clinical testing. Allele origin: germline.
Comment: This sequence change replaces proline, which is neutral and non-polar, with serine, which is neutral and polar, at codon 84 of the FAS protein (p.Pro84Ser). This variant is not present in population databases (gnomAD no frequency). This variant has not been reported in the literature in individuals affected with FAS-related conditions. Invitae Evidence Modeling of protein sequence and biophysical properties (such as structural, functional, and spatial information, amino acid conservation, physicochemical variation, residue mobility, and thermodynamic stability) has been performed for this missense variant. However, the output from this modeling did not meet the statistical confidence thresholds required to predict the impact of this variant on FAS protein function. In summary, the available evidence is currently insufficient to determine the role of this variant in disease. Therefore, it has been classified as a Variant of Uncertain Significance.